The following is an entry in ClinVar:

ClinVar aggregate classification (germline): Benign/Likely benign. Review status: criteria provided, multiple submitters, no conflicts (2 of 4 stars). 8 submissions from 8 submitters: Benign (2); Likely benign (2). 4 of the submissions do not count toward it. Last evaluated 2025-08-25.

Conditions:
Autosomal recessive nonsyndromic hearing loss 1A (DFNB1A). Also called: GJB2-Related Autosomal Recessive Nonsyndromic Hearing Loss; GJB6-Related DFNB 1 Nonsyndromic Hearing Loss and Deafness; Deafness, autosomal recessive 1A; Connexin 26 deafness; Deafness nonsyndromic, Connexin 26 linked; Nonsyndromic Hearing Loss and Deafness, DFNB1. Identifiers: Orphanet 90636, MedGen C2673759, MONDO:0009076, OMIM 220290.

Allele frequency attached by ClinVar (database versions not stated): 1000 Genomes Project 0.00040; 1000 Genomes Project 30x 0.00109; TOPMed 0.00218; gnomAD 0.00237 and 0.00245; gnomAD exomes 0.00338.

Submissions (8):

Athena Diagnostics
Classification: Likely benign. Last evaluated: 2025-08-25. Review status: criteria provided, single submitter. Criteria: Athena Diagnostics Criteria. Collection method: clinical testing. Allele origin: unknown.
Comment: The frequency of this variant in the general population is higher than would generally be expected for pathogenic variants in this gene. This nucleotide position exhibits low evolutionary conservation.

Women's Health and Genetics/Laboratory Corporation of America, LabCorp
Classification: Benign. Last evaluated: 2021-08-11. Review status: criteria provided, single submitter. Criteria: LabCorp Variant Classification Summary - May 2015. Collection method: clinical testing. Allele origin: germline.
Comment: Variant summary: GJB2 c.-45C>A is located in the untranslated mRNA region upstream of the initiation codon. One in silico tool predicts a benign outcome for this variant. The variant allele was found at a frequency of 0.0024 in 31410 control chromosomes, predominantly at a frequency of 0.0039 within the Non-Finnish European subpopulation in the gnomAD database (genomes). The observed variant frequency within Non-Finnish European control individuals in the gnomAD database is approximately 12 fold of the estimated maximal expected allele frequency for a pathogenic variant in GJB2 causing Non-Syndromic Hearing Loss phenotype (0.00034), strongly suggesting that the variant is a benign polymorphism found primarily in populations of Non-Finnish European origin. c.-45C>A, has been reported in the literature in individuals affected with Non-Syndromic Hearing Loss but was also found in controls (Matos_2011). In addition, multiple publications classify the variant as polymorphism (Wilch_2006, Bliznets_2012, Beck_2014), which is supported by the evidence that the variant was observed in trans with a pathogenic allele in an unaffected individual, suggesting a lack of segregation with disease. An allele-based expression analysis showed presence of the expressed GJB2 gene (Wilch_2006) demonstrating no damaging effect of this variant. Four ClinVar submitters (evaluation after 2014) cite the variant as uncertain significance (n=1), likely benign (n=2) and benign (n=1). Based on the evidence outlined above, the variant was classified as benign.

GeneDx
Classification: Likely benign. Last evaluated: 2017-10-31. Review status: criteria provided, single submitter. Criteria: GeneDx Variant Classification (06012015). Collection method: clinical testing. Allele origin: germline. Affected: yes.
Comment: This variant is considered likely benign or benign based on one or more of the following criteria: it is a conservative change, it occurs at a poorly conserved position in the protein, it is predicted to be benign by multiple in silico algorithms, and/or has population frequency not consistent with disease.

Laboratory for Molecular Medicine, Mass General Brigham Personalized Medicine
Classification: Benign. Last evaluated: 2017-06-13. Review status: criteria provided, single submitter. Criteria: LMM Criteria. Collection method: clinical testing. Allele origin: germline. Observed: 14 variant alleles.
Comment: c.-45C>A in Exon 1 of GJB2: This variant has been identified in 0.4%(58/14946) o f European chromosomes by the Genome Aggregation Database (gnomAD; dbSNP rs397516868). Expression studies showed presence of the expressed GJB2 gene (Wilch 2006).

Clinical Genetics DNA and cytogenetics Diagnostics Lab, Erasmus MC, Erasmus Medical Center
Classification: Likely benign. Review status: no assertion criteria provided. Collection method: clinical testing. Allele origin: germline. Affected: yes. Study: VKGL Data-share Consensus. Not counted in ClinVar's aggregate classification.

Joint Genome Diagnostic Labs from Nijmegen and Maastricht, Radboudumc and MUMC+
Classification: Benign. Review status: no assertion criteria provided. Collection method: clinical testing. Allele origin: germline. Affected: yes. Study: VKGL Data-share Consensus. Not counted in ClinVar's aggregate classification.

Integrating Genomics into Medicine, Frazer Institute, University Of Queensland
Classification: Pathogenic for Autosomal recessive nonsyndromic hearing loss 1A. Last evaluated: 2023-06-02. Review status: flagged submission. Criteria: ACMG Guidelines, 2015. Collection method: clinical testing. Allele origin: germline. Affected: yes. Not counted in ClinVar's aggregate classification.
ClinVar note: Reason: Outlier claim with insufficient supporting evidence

Victorian Clinical Genetics Services, Murdoch Childrens Research Institute
Classification: Uncertain significance for Autosomal recessive nonsyndromic hearing loss 1A. Last evaluated: 2022-03-31. Review status: flagged submission. Criteria: ACMG Guidelines, 2015. Collection method: clinical testing. Allele origin: germline. Inheritance: Autosomal recessive inheritance. Not counted in ClinVar's aggregate classification.
Comment: Based on the classification scheme VCGS_Germline_v1.3.4, this variant is classified as VUS-3C. Following criteria are met: 0102 - Loss of function is a known mechanism of disease in this gene and is associated with both deafness and skin conditions (OMIM). Dominant negative is also a suggested mechanism (PMID: 28428247). (I) 0108 - This gene is associated with both recessive and dominant disease. The autosomal dominant diseases are commonly associated with pathogenic missense variants. The autosomal recessive disease is associated with bi-allelic loss-of-function variants and includes missense and protein truncating variants (NIH Genetics Home Reference, PMID: 12792423). (I) 0112 - The condition associated with this gene has incomplete penetrance (PMID:31160754). (I) 0115 - Variants in this gene are known to have variable expressivity. Severity can range from mild to profound with intrafamilial variability also commonly seen. Commonly, truncating variants are associated to a more severe hearing loss (GeneReviews). (I) 0218 - Non-coding variant without known or predicted effect. (I) 0251 - This variant is heterozygous. (I) 0304 - Variant is present in gnomAD <0.01 for a recessive condition (v3: 359 heterozygotes, 0 homozygotes). (SP) 0809 - Previous evidence of pathogenicity for this variant is inconclusive. It has been reported as benign and likely benign in ClinVar, but it is regarded VUS by the Deafness database. In addition, it has been detected in a heterozygous state in patients and controls (LOVD, Deafness Database, PMIDs: 16773579, 22567369, 25214170, 22567861, 22567861). (I) 1208 - Inheritance information for this variant is not currently available in this individual. (I) Legend: (SP) - Supporting pathogenic, (I) - Information, (SB) - Supporting benign
ClinVar note: Reason: Outlier claim with insufficient supporting evidence

Literature cited by the submitters: PubMed 22567369 (cited by 4 submitters); PubMed 16773579 (cited by 4 submitters); PubMed 25214170 (cited by 3 submitters); PubMed 38486023 (cited by Athena Diagnostics); PubMed 22567861 (cited by 3 submitters); PubMed 12792423 (cited by Victorian Clinical Genetics Services, Murdoch Childrens Research Institute); PubMed 28428247 (cited by Victorian Clinical Genetics Services, Murdoch Childrens Research Institute); PubMed 31160754 (cited by Victorian Clinical Genetics Services, Murdoch Childrens Research Institute).

NM_004004.6(GJB2):c.-45C>A

Gene: GJB2 (gap junction protein beta 2; minus strand). Cytogenetic location: 13q12.11.
Variant type: single nucleotide variant.
Coding change: c.-45C>A on transcript NM_004004.6 (MANE Select); 45 bases upstream of the start codon, C replaced by A.
Molecular consequence: 5 prime UTR variant.
Genome position (GRCh38, 1-based): chr13:20,192,805, G>T on the plus strand (C>A on the coding strand, the complement: GJB2 is on the minus strand). VCF-style: chr13-20192805-G-T. GRCh37 (hg19) VCF-style: chr13-20766944-G-T.
Identifiers: ClinVar variation 44720 (VCV000044720.17), dbSNP rs397516868, ClinGen allele CA134945.
Genomic context (GRCh38, chr13:20,192,805, plus strand): 5'-AGGTTCCTGGCCGGGCAGTCCGGGGCCGGCGGGCTCACCTGCGTCGGGAGGAAGCGCGGC[G>T]GGGCCGGGGCGGGGGTCTCGGCGTTGGGGTCTCTGCGCTGGGGCTCCTGCGCTCCTAGGC-3'